The following is an entry in ClinVar:

NM_000368.5(TSC1):c.1528G>C (p.Asp510His)

Gene: TSC1 (TSC complex subunit 1; minus strand). Cytogenetic location: 9q34.13.
Variant type: single nucleotide variant.
Coding change: c.1528G>C on transcript NM_000368.5 (MANE Select); coding-DNA position 1528, G replaced by C.
Protein change: p.Asp510His; replaces aspartic acid 510 with histidine.
Molecular consequence: missense variant. On other transcripts: non-coding transcript variant (5).
Genome position (GRCh38, 1-based): chr9:132,906,050, C>G on the plus strand (G>C on the coding strand, the complement: TSC1 is on the minus strand). VCF-style: chr9-132906050-C-G. GRCh37 (hg19) VCF-style: chr9-135781437-C-G.
Other names: c.1525G>C, p.Asp509His (NM_001162426.2, NM_001406597.1, NM_001406598.1 and 6 more transcripts); c.1375G>C, p.Asp459His (NM_001162427.2, NM_001406610.1); c.1165G>C, p.Asp389His (NM_001362177.2, NM_001406614.1, NM_001406615.1 and 5 more transcripts); c.1528G>C, p.Asp510His (NM_001406592.1, NM_001406593.1, NM_001406594.1 and 7 more transcripts); c.1372G>C, p.Asp458His (NM_001406611.1, NM_001406612.1, NM_001406613.1); c.1162G>C, p.Asp388His (NM_001406620.1, NM_001406621.1, NM_001406622.1 and 2 more transcripts); c.577G>C, p.Asp193His (NM_001406626.1); c.574G>C, p.Asp192His (NM_001406627.1, NM_001406628.1); and 1 more; short protein forms D159H, D388H, D389H, D458H, D459H, D510H, D192H, D193H.
Identifiers: ClinVar variation 4709615 (VCV004709615.1).

ClinVar aggregate classification (germline): Uncertain significance (1 of 4 stars; one submission).

Conditions:
Tuberous sclerosis 1 (TSC1). Identifiers: Orphanet 805, MedGen C1854465, MONDO:0008612, OMIM 191100.

Submission:

Labcorp Genetics (formerly Invitae), Labcorp
Classification: Uncertain significance for Tuberous sclerosis 1. Last evaluated: 2025-03-02. Review status: criteria provided, single submitter. Criteria: Invitae Variant Classification Sherloc (09022015). Collection method: clinical testing. Allele origin: germline.
Comment: This sequence change replaces aspartic acid, which is acidic and polar, with histidine, which is basic and polar, at codon 510 of the TSC1 protein (p.Asp510His). This variant is not present in population databases (gnomAD no frequency). This variant has not been reported in the literature in individuals affected with TSC1-related conditions. Invitae Evidence Modeling of protein sequence and biophysical properties (such as structural, functional, and spatial information, amino acid conservation, physicochemical variation, residue mobility, and thermodynamic stability) indicates that this missense variant is not expected to disrupt TSC1 protein function with a negative predictive value of 95%. In summary, the available evidence is currently insufficient to determine the role of this variant in disease. Therefore, it has been classified as a Variant of Uncertain Significance.